The following is an entry in ClinVar:

ClinVar aggregate classification (germline): Uncertain significance (1 of 4 stars; one submission).

Conditions:
Treacher Collins syndrome 1 (TCS1). Also called: TCOF1-Related Treacher Collins Syndrome. Identifiers: Orphanet 861, MedGen CN315775, MONDO:0007944, OMIM 154500.

Allele frequency attached by ClinVar (database versions not stated): gnomAD exomes below 0.00001.
gnomAD v4.1: 2 of 1,610,996 alleles (0.00012%); highest among the groups gnomAD compares: Middle Eastern, 0.033%; no homozygotes.

Submission:

Labcorp Genetics (formerly Invitae), Labcorp
Classification: Uncertain significance for Treacher Collins syndrome 1. Last evaluated: 2023-11-06. Review status: criteria provided, single submitter. Criteria: Invitae Variant Classification Sherloc (09022015). Collection method: clinical testing. Allele origin: germline.
Comment: This sequence change falls in intron 20 of the TCOF1 gene. It does not directly change the encoded amino acid sequence of the TCOF1 protein. This variant is not present in population databases (gnomAD no frequency). This variant has not been reported in the literature in individuals affected with TCOF1-related conditions. Algorithms developed to predict the effect of sequence changes on RNA splicing suggest that this variant may create or strengthen a splice site. In summary, the available evidence is currently insufficient to determine the role of this variant in disease. Therefore, it has been classified as a Variant of Uncertain Significance.

NM_001371623.1(TCOF1):c.3297+10G>A

Gene: TCOF1 (treacle ribosome biogenesis factor 1; plus strand). Cytogenetic location: 5q32.
Variant type: single nucleotide variant.
Coding change: c.3297+10G>A on transcript NM_001371623.1 (MANE Select); 10 bases into the intron after coding-DNA position 3297, G replaced by A.
Molecular consequence: intron variant.
Genome position (GRCh38, 1-based): chr5:150,391,667, G>A. VCF-style: chr5-150391667-G-A. GRCh37 (hg19) VCF-style: chr5-149771230-G-A.
Other names: c.3297+10G>A (NM_001135243.2); c.3184-290G>A (NM_001135244.2, NM_001195141.2); c.3066+10G>A (NM_001135245.2, NM_000356.4).
Identifiers: ClinVar variation 2894204 (VCV002894204.3), dbSNP rs1767470089, ClinGen allele CA2578453375.
Genomic context (GRCh38, chr5:150,391,667, plus strand): 5'-AAAGCCAGTGAGGCTCAGCCTCCTGTTGCCAGGACCCAGCCTTCAAGTGGGGTGAGCTTG[G>A]GGAGCCAGGGGAAGCAAGCCCACGGAGCGTAGAAGGTGCAGGCGTGGCCCTGCATCGCGG-3'